The following is an entry in ClinVar:

ClinVar aggregate classification (germline): Uncertain significance (1 of 4 stars; one submission).

Conditions:
COL4A1-related disorder. Also called: COL4A1-related condition; COL4A1-related disorders. Identifiers: MedGen CN376119, MONDO:0800461.

gnomAD v4.1: 2 of 1,614,108 alleles (0.00012%); highest among the groups gnomAD compares: Non-Finnish European, 0.00017%; no homozygotes.

Submission:

PreventionGenetics, part of Exact Sciences
Classification: Uncertain significance for COL4A1-related condition. Last evaluated: 2026-07-19. Review status: criteria provided, single submitter. Criteria: ACMG Guidelines, 2015. Collection method: clinical testing. Allele origin: germline.
Comment: The COL4A1 c.1204T>C variant is predicted to result in the amino acid substitution p.Ser402Pro. To our knowledge, this variant has not been reported in the literature or in a large population database (gnomAD), indicating this variant is rare. At this time, the clinical significance of this variant is uncertain due to the absence of conclusive functional and genetic evidence.

NM_001845.6(COL4A1):c.1204T>C (p.Ser402Pro)

Gene: COL4A1 (collagen type IV alpha 1 chain; minus strand). Cytogenetic location: 13q34.
Variant type: single nucleotide variant.
Coding change: c.1204T>C on transcript NM_001845.6 (MANE Select); coding-DNA position 1204, T replaced by C.
Protein change: p.Ser402Pro; replaces serine 402 with proline.
Molecular consequence: missense variant.
Genome position (GRCh38, 1-based): chr13:110,198,548, A>G on the plus strand (T>C on the coding strand, the complement: COL4A1 is on the minus strand). VCF-style: chr13-110198548-A-G. GRCh37 (hg19) VCF-style: chr13-110850895-A-G.
Other names: c.1204T>C, p.Ser402Pro (NM_001303110.2); short protein forms S402P.
Identifiers: ClinVar variation 4992277 (VCV004992277.1).